The following is an entry in ClinVar:

NM_001321075.3(DLG4):c.1598A>G (p.Tyr533Cys)

Gene: DLG4 (discs large MAGUK scaffold protein 4; minus strand). Cytogenetic location: 17p13.1.
Variant type: single nucleotide variant.
Coding change: c.1598A>G on transcript NM_001321075.3 (MANE Select); coding-DNA position 1598, A replaced by G.
Protein change: p.Tyr533Cys; replaces tyrosine 533 with cysteine.
Molecular consequence: missense variant. On other transcripts: non-coding transcript variant (1).
Genome position (GRCh38, 1-based): chr17:7,193,578, T>C on the plus strand (A>G on the coding strand, the complement: DLG4 is on the minus strand). VCF-style: chr17-7193578-T-C. GRCh37 (hg19) VCF-style: chr17-7096897-T-C.
Other names: c.1589A>G, p.Tyr530Cys (NM_001128827.4); c.1718A>G, p.Tyr573Cys (NM_001321074.1); c.1418A>G, p.Tyr473Cys (NM_001321076.3, NM_001321077.3); c.1727A>G, p.Tyr576Cys (NM_001365.5); c.1517A>G, p.Tyr506Cys (NM_001369566.3); short protein forms Y473C, Y506C, Y573C, Y576C, Y530C, Y533C.
Identifiers: ClinVar variation 2477231 (VCV002477231.6), dbSNP rs2507922597, ClinGen allele CA397715194.

ClinVar aggregate classification (germline): Uncertain significance. Review status: criteria provided, multiple submitters, no conflicts (2 of 4 stars). 2 submissions from 2 submitters: Uncertain significance (2). Last evaluated 2023-08-07.

Conditions:
Inborn genetic diseases. Identifiers: MedGen C0950123, MeSH D030342.
Intellectual developmental disorder 62. Also called: MENTAL RETARDATION, AUTOSOMAL DOMINANT 62; INTELLECTUAL DEVELOPMENTAL DISORDER, AUTOSOMAL DOMINANT 62. Identifiers: MedGen C5394083, MONDO:0032919, OMIM 618793.

Allele frequency attached by ClinVar (database versions not stated): gnomAD exomes below 0.00001.
gnomAD v4.1: 1 of 1,527,330 alleles (0.000065%); highest among the groups gnomAD compares: Non-Finnish European, 0.000088%; no homozygotes.

Submissions (2):

GeneDx
Classification: Uncertain significance. Last evaluated: 2023-08-07. Review status: criteria provided, single submitter. Criteria: GeneDx Variant Classification Process June 2021. Collection method: clinical testing. Allele origin: germline. Affected: yes.
Comment: Not observed at significant frequency in large population cohorts (gnomAD); In silico analysis supports that this missense variant has a deleterious effect on protein structure/function; Has not been previously published as pathogenic or benign to our knowledge

Ambry Genetics
Classification: Uncertain significance for Inborn genetic diseases. Last evaluated: 2023-01-23. Review status: criteria provided, single submitter. Criteria: Ambry Variant Classification Scheme 2023. Collection method: clinical testing. Allele origin: germline.
Comment: The c.1727A>G (p.Y576C) alteration is located in exon 18 (coding exon 18) of the DLG4 gene. This alteration results from a A to G substitution at nucleotide position 1727, causing the tyrosine (Y) at amino acid position 576 to be replaced by a cysteine (C). This variant was not reported in population-based cohorts in the Genome Aggregation Database (gnomAD). This amino acid position is highly conserved in available vertebrate species. This missense alteration is located in a region that has a low rate of benign missense variation (Lek, 2016; Firth, 2009). The in silico prediction for this alteration is inconclusive. Based on insufficient or conflicting evidence, the clinical significance of this alteration remains unclear.